The following is an entry in ClinVar:

NM_145207.3(AFG2A):c.764C>T (p.Pro255Leu)

Gene: AFG2A (AAA ATPase AFG2A; plus strand). Cytogenetic location: 4q28.1.
Variant type: single nucleotide variant.
Coding change: c.764C>T on transcript NM_145207.3 (MANE Select); coding-DNA position 764, C replaced by T.
Protein change: p.Pro255Leu; replaces proline 255 with leucine.
Molecular consequence: missense variant.
Genome position (GRCh38, 1-based): chr4:122,934,355, C>T. VCF-style: chr4-122934355-C-T. GRCh37 (hg19) VCF-style: chr4-123855510-C-T.
Other names: c.761C>T, p.Pro254Leu (NM_001317799.2, NM_001345856.2); short protein forms P254L, P255L.
Identifiers: ClinVar variation 1719073 (VCV001719073.5), dbSNP rs1447745763, ClinGen allele CA358101993.

ClinVar aggregate classification (germline): Uncertain significance (1 of 4 stars; one submission).

Conditions:
Microcephaly-intellectual disability-sensorineural hearing loss-epilepsy-abnormal muscle tone syndrome (NEDHSB). Also called: NEURODEVELOPMENTAL DISORDER WITH HEARING LOSS, SEIZURES, AND BRAIN ABNORMALITIES. Identifiers: Orphanet 457351, MedGen C4225276, MONDO:0014698, OMIM 616577.

Submission:

Labcorp Genetics (formerly Invitae), Labcorp
Classification: Uncertain significance for Microcephaly-intellectual disability-sensorineural hearing loss-epilepsy-abnormal muscle tone syndrome. Last evaluated: 2024-09-05. Review status: criteria provided, single submitter. Criteria: Invitae Variant Classification Sherloc (09022015). Collection method: clinical testing. Allele origin: germline.
Comment: This sequence change replaces proline, which is neutral and non-polar, with leucine, which is neutral and non-polar, at codon 255 of the SPATA5 protein (p.Pro255Leu). This variant is not present in population databases (gnomAD no frequency). This variant has not been reported in the literature in individuals affected with SPATA5-related conditions. ClinVar contains an entry for this variant (Variation ID: 1719073). Invitae Evidence Modeling of protein sequence and biophysical properties (such as structural, functional, and spatial information, amino acid conservation, physicochemical variation, residue mobility, and thermodynamic stability) indicates that this missense variant is not expected to disrupt SPATA5 protein function with a negative predictive value of 95%. In summary, the available evidence is currently insufficient to determine the role of this variant in disease. Therefore, it has been classified as a Variant of Uncertain Significance.